The following is an entry in ClinVar:

ClinVar aggregate classification (germline): Conflicting classifications of pathogenicity. Review status: criteria provided, conflicting classifications (1 of 4 stars). 2 submissions from 2 submitters: Uncertain significance (1); Likely benign (1). Last evaluated 2026-02-01.

Conditions:
Inborn genetic diseases. Identifiers: MedGen C0950123, MeSH D030342.

gnomAD v4.1: 41 of 1,613,856 alleles (0.0025%); highest among the groups gnomAD compares: African/African-American, 0.004%; no homozygotes.

Submissions (2):

CeGaT Center for Human Genetics Tuebingen
Classification: Likely benign. Last evaluated: 2026-02-01. Review status: criteria provided, single submitter. Criteria: CeGaT Center For Human Genetics Tuebingen Variant Classification Criteria Version 2. Collection method: clinical testing. Allele origin: germline. Affected: yes. Observed: 1 variant allele.
Comment: MYT1L: BP4

Ambry Genetics
Classification: Uncertain significance for Inborn genetic diseases. Last evaluated: 2024-05-10. Review status: criteria provided, single submitter. Criteria: Ambry Variant Classification Scheme 2023. Collection method: clinical testing. Allele origin: germline.

NM_001303052.2(MYT1L):c.898G>A (p.Val300Ile)

Gene: MYT1L (myelin transcription factor 1 like; minus strand). Cytogenetic location: 2p25.3.
Variant type: single nucleotide variant.
Coding change: c.898G>A on transcript NM_001303052.2 (MANE Select); coding-DNA position 898, G replaced by A.
Protein change: p.Val300Ile; replaces valine 300 with isoleucine.
Molecular consequence: missense variant.
Genome position (GRCh38, 1-based): chr2:1,922,871, C>T on the plus strand (G>A on the coding strand, the complement: MYT1L is on the minus strand). VCF-style: chr2-1922871-C-T. GRCh37 (hg19) VCF-style: chr2-1926643-C-T.
Other names: c.898G>A, p.Val300Ile (NM_001329844.2, NM_001329845.1, NM_001329846.3 and 6 more transcripts); short protein forms V300I.
Identifiers: ClinVar variation 3298189 (VCV003298189.5).